The following is an entry in ClinVar:

ClinVar aggregate classification (germline): Likely pathogenic (1 of 4 stars; one submission).

Conditions:
Rare genetic deafness. Identifiers: Orphanet 96210, MedGen C5680250.

Submission:

Laboratory for Molecular Medicine, Mass General Brigham Personalized Medicine
Classification: Likely pathogenic for Rare genetic deafness. Last evaluated: 2018-12-26. Review status: criteria provided, single submitter. Criteria: LMM Criteria. Collection method: clinical testing. Allele origin: germline. Inheritance: Autosomal recessive inheritance. Observed: 1 variant allele.
Comment: The p.Ile1746SerfsX59 variant in TECTA has not been previously reported in indiv iduals with hearing loss and was absent from large population studies. This vari ant is predicted to cause a frameshift, which alters the protein?s amino acid se quence beginning at position 1746 and leads to a premature termination codon 59 amino acids downstream. This alteration is then predicted to lead to a truncated or absent protein. Biallelic loss of function of the TECTA gene is an establish ed disease mechanism in hearing loss. In summary, although additional studies ar e required to fully establish its clinical significance, the p.Ile1746SerfsX59 v ariant is likely pathogenic. ACMG/AMP Criteria applied: PVS1, PM2.

NM_005422.4(TECTA):c.5235del (p.Ile1746fs)

Genes: TBCEL-TECTA (TBCEL-TECTA readthrough; plus strand), TECTA (tectorin alpha; plus strand). Cytogenetic location: 11q23.3.
Variant type: Deletion.
Coding change: c.5235del on transcript NM_005422.4 (MANE Select); coding-DNA position 5235, one base deleted (G; older notation c.5235delG).
Protein change: p.Ile1746fs; shifts the reading frame from isoleucine 1746.
Molecular consequence: frameshift variant.
Genome position (GRCh38, 1-based): chr11:121,162,333, G deleted; the last of 3 consecutive G bases (chr11:121,162,331-121,162,333); deleting any one gives the same sequence. VCF-style (leftmost placement, unchanged base first): chr11-121162330-CG-C. GRCh37 (hg19) VCF-style: chr11-121033039-CG-C.
Other names: c.5235delG (NM_005422.2); c.6177del, p.Ile2060fs (NM_001378761.1); short protein forms I1746fs, I2060fs.
Identifiers: ClinVar variation 667390 (VCV000667390.4), dbSNP rs1229070290, ClinGen allele CA672605117.